The following is an entry in ClinVar:

NM_052813.5(CARD9):c.596C>T (p.Ala199Val)

Gene: CARD9 (caspase recruitment domain family member 9; minus strand). Cytogenetic location: 9q34.3.
Variant type: single nucleotide variant.
Coding change: c.596C>T on transcript NM_052813.5 (MANE Select); coding-DNA position 596, C replaced by T.
Protein change: p.Ala199Val; replaces alanine 199 with valine.
Molecular consequence: missense variant.
Genome position (GRCh38, 1-based): chr9:136,370,872, G>A on the plus strand (C>T on the coding strand, the complement: CARD9 is on the minus strand). VCF-style: chr9-136370872-G-A. GRCh37 (hg19) VCF-style: chr9-139265324-G-A.
Other names: c.596C>T, p.Ala199Val (NM_052814.4); short protein forms A199V.
Identifiers: ClinVar variation 1706130 (VCV001706130.5), dbSNP rs572881831, ClinGen allele CA5333080.

ClinVar aggregate classification (germline): Uncertain significance. Review status: criteria provided, multiple submitters, no conflicts (2 of 4 stars). 3 submissions from 3 submitters: Uncertain significance (3). Last evaluated 2024-10-04.

Conditions:
Predisposition to invasive fungal disease due to CARD9 deficiency (IMD103). Also called: CARD9 IMMUNODEFICIENCY; Candidiasis, familial, 2, autosomal recessive; IMMUNODEFICIENCY 103, SUSCEPTIBILITY TO FUNGAL INFECTIONS. Identifiers: Orphanet 457088, MedGen C1859353, MONDO:0008905, OMIM 212050.

Allele frequency attached by ClinVar (database versions not stated): gnomAD exomes 0.00004; ExAC 0.00011; gnomAD 0.00011; TOPMed 0.00011.

Submissions (3):

Blueprint Genetics
Classification: Uncertain significance. Last evaluated: 2024-10-04. Review status: criteria provided, single submitter. Criteria: ACMG Guidelines, 2015. Collection method: clinical testing. Allele origin: germline.

Labcorp Genetics (formerly Invitae), Labcorp
Classification: Uncertain significance for Predisposition to invasive fungal disease due to CARD9 deficiency. Last evaluated: 2022-05-12. Review status: criteria provided, single submitter. Criteria: Invitae Variant Classification Sherloc (09022015). Collection method: clinical testing. Allele origin: germline.
Comment: This sequence change replaces alanine, which is neutral and non-polar, with valine, which is neutral and non-polar, at codon 199 of the CARD9 protein (p.Ala199Val). This variant is present in population databases (rs572881831, gnomAD 0.03%). This variant has not been reported in the literature in individuals affected with CARD9-related conditions. Algorithms developed to predict the effect of missense changes on protein structure and function are either unavailable or do not agree on the potential impact of this missense change (SIFT: "Deleterious"; PolyPhen-2: "Benign"; Align-GVGD: "Class C55"). In summary, the available evidence is currently insufficient to determine the role of this variant in disease. Therefore, it has been classified as a Variant of Uncertain Significance.

GeneDx
Classification: Uncertain significance. Last evaluated: 2022-03-16. Review status: criteria provided, single submitter. Criteria: GeneDx Variant Classification Process June 2021. Collection method: clinical testing. Allele origin: germline. Affected: yes.
Comment: In silico analysis supports that this missense variant has a deleterious effect on protein structure/function; Has not been previously published as pathogenic or benign to our knowledge